The following is an entry in ClinVar:

ClinVar aggregate classification (germline): Uncertain significance. Review status: criteria provided, multiple submitters, no conflicts (2 of 4 stars). 2 submissions from 2 submitters: Uncertain significance (2). Last evaluated 2025-08-06.

Conditions:
Cardiovascular phenotype. Identifiers: MedGen CN230736.
Myofibrillar myopathy 5. Also called: Filaminopathy (type); FILAMINOPATHY, AUTOSOMAL DOMINANT. Identifiers: Orphanet 171445, MedGen C1836050, MONDO:0012289, OMIM 609524.
Distal myopathy with posterior leg and anterior hand involvement. Also called: WILLIAMS DISTAL MYOPATHY. Identifiers: Orphanet 63273, MedGen C3279722, MONDO:0013550, OMIM 614065.
Hypertrophic cardiomyopathy 26. Also called: Cardiomyopathy, familial hypertrophic, 26. Identifiers: Orphanet 75249, MedGen C4310749, MONDO:0014883, OMIM 617047.

Allele frequency attached by ClinVar (database versions not stated): gnomAD exomes below 0.00001; TOPMed 0.00001.
gnomAD v4.1: 6 of 1,612,950 alleles (0.00037%); highest among the groups gnomAD compares: East Asian, 0.0022%; no homozygotes.

Submissions (2):

Labcorp Genetics (formerly Invitae), Labcorp
Classification: Uncertain significance for Distal myopathy with posterior leg and anterior hand involvement; Myofibrillar myopathy 5; Hypertrophic cardiomyopathy 26. Last evaluated: 2025-08-06. Review status: criteria provided, single submitter. Criteria: Invitae Variant Classification Sherloc (09022015). Collection method: clinical testing. Allele origin: germline.
Comment: This sequence change replaces glycine, which is neutral and non-polar, with serine, which is neutral and polar, at codon 201 of the FLNC protein (p.Gly201Ser). This variant also falls at the last nucleotide of exon 2, which is part of the consensus splice site for this exon. This variant is not present in population databases (gnomAD no frequency). This missense change has been observed in individual(s) with clinical features of FLNC-related conditions (PMID: 37461109; internal data). ClinVar contains an entry for this variant (Variation ID: 943338). An algorithm developed to predict the effect of missense changes on protein structure and function (PolyPhen-2) suggests that this variant is likely to be disruptive. Variants that disrupt the consensus splice site are a relatively common cause of aberrant splicing (PMID: 17576681, 9536098). In summary, the available evidence is currently insufficient to determine the role of this variant in disease. Therefore, it has been classified as a Variant of Uncertain Significance.

Ambry Genetics
Classification: Uncertain significance for Cardiovascular phenotype. Last evaluated: 2024-09-19. Review status: criteria provided, single submitter. Criteria: Ambry Variant Classification Scheme 2023. Collection method: clinical testing. Allele origin: germline.
Comment: The p.G201S variant (also known as c.601G>A), located in coding exon 2 of the FLNC gene, results from a G to A substitution at nucleotide position 601. The glycine at codon 201 is replaced by serine, an amino acid with similar properties. However, this change occurs in the last base pair of coding exon 2, which makes it likely to have some effect on normal mRNA splicing. This variant has been detected in individuals from dilated cardiomyopathy cohorts (Lian H et al. J Transl Med, 2023 Jul;21:476; Perret C et al. Clin Genet, 2024 Feb;105:185-189). These nucleotide and amino acid positions are highly conserved in available vertebrate species. In silico splice site analysis for this alteration is inconclusive. In addition, as a missense substitution this is predicted to be deleterious by in silico analysis. Based on the available evidence, the clinical significance of this variant remains unclear.

Literature cited by the submitters: PubMed 37461109 (cited by Labcorp Genetics (formerly Invitae), Labcorp and Ambry Genetics); PubMed 17576681 (cited by Labcorp Genetics (formerly Invitae), Labcorp); PubMed 9536098 (cited by Labcorp Genetics (formerly Invitae), Labcorp); PubMed 37904629 (cited by Ambry Genetics).

NM_001458.5(FLNC):c.601G>A (p.Gly201Ser)

Gene: FLNC (filamin C; plus strand). Cytogenetic location: 7q32.1.
Variant type: single nucleotide variant.
Coding change: c.601G>A on transcript NM_001458.5 (MANE Select); coding-DNA position 601, G replaced by A.
Protein change: p.Gly201Ser; replaces glycine 201 with serine.
Molecular consequence: missense variant.
Genome position (GRCh38, 1-based): chr7:128,835,574, G>A. VCF-style: chr7-128835574-G-A. GRCh37 (hg19) VCF-style: chr7-128475628-G-A.
Other names: c.601G>A, p.Gly201Ser (NM_001127487.2); short protein forms G201S.
Identifiers: ClinVar variation 943338 (VCV000943338.13), dbSNP rs1808062939, ClinGen allele CA369219861.